The following is an entry in ClinVar:

ClinVar aggregate classification (germline): Uncertain significance. Review status: criteria provided, multiple submitters, no conflicts (2 of 4 stars). 3 submissions from 3 submitters: Uncertain significance (3). Last evaluated 2024-12-24.

Conditions:
Inborn genetic diseases. Identifiers: MedGen C0950123, MeSH D030342.

Allele frequency attached by ClinVar (database versions not stated): ESP Exome Variant Server 0.00024; gnomAD 0.00033 and 0.00034; TOPMed 0.00037; 1000 Genomes Project 0.00040; 1000 Genomes Project 30x 0.00078.
gnomAD v4.1: 248 of 1,613,952 alleles (0.015%); highest among the groups gnomAD compares: African/African-American, 0.11%; 1 homozygote.

Submissions (3):

Labcorp Genetics (formerly Invitae), Labcorp
Classification: Uncertain significance. Last evaluated: 2024-12-24. Review status: criteria provided, single submitter. Criteria: Invitae Variant Classification Sherloc (09022015). Collection method: clinical testing. Allele origin: germline.
Comment: This sequence change replaces arginine, which is basic and polar, with tryptophan, which is neutral and slightly polar, at codon 982 of the MYO18B protein (p.Arg982Trp). This variant is present in population databases (rs201442805, gnomAD 0.1%). This variant has not been reported in the literature in individuals affected with MYO18B-related conditions. ClinVar contains an entry for this variant (Variation ID: 1347319). An algorithm developed to predict the effect of missense changes on protein structure and function (PolyPhen-2) suggests that this variant is likely to be disruptive. In summary, the available evidence is currently insufficient to determine the role of this variant in disease. Therefore, it has been classified as a Variant of Uncertain Significance.

Blueprint Genetics
Classification: Uncertain significance. Last evaluated: 2024-07-18. Review status: criteria provided, single submitter. Criteria: ACMG Guidelines, 2015. Collection method: clinical testing. Allele origin: germline.

Ambry Genetics
Classification: Uncertain significance for Inborn genetic diseases. Last evaluated: 2021-09-17. Review status: criteria provided, single submitter. Criteria: Ambry Variant Classification Scheme 2023. Collection method: clinical testing. Allele origin: germline.

NM_032608.7(MYO18B):c.2944C>T (p.Arg982Trp)

Gene: MYO18B (myosin XVIIIB; plus strand). Cytogenetic location: 22q12.1.
Variant type: single nucleotide variant.
Coding change: c.2944C>T on transcript NM_032608.7 (MANE Select); coding-DNA position 2944, C replaced by T.
Protein change: p.Arg982Trp; replaces arginine 982 with tryptophan.
Molecular consequence: missense variant.
Genome position (GRCh38, 1-based): chr22:25,828,933, C>T. VCF-style: chr22-25828933-C-T. GRCh37 (hg19) VCF-style: chr22-26224900-C-T.
Other names: c.2944C>T, p.Arg982Trp (NM_001318245.2); c.2944C>T (NM_032608.5); short protein forms R982W.
Identifiers: ClinVar variation 1347319 (VCV001347319.6), dbSNP rs201442805, ClinGen allele CA10160375.